The following is an entry in ClinVar:

ClinVar aggregate classification (germline): Uncertain significance. Review status: criteria provided, multiple submitters, no conflicts (2 of 4 stars). 4 submissions from 4 submitters: Uncertain significance (4). Last evaluated 2024-03-06.

Conditions:
Aortic aneurysm, familial thoracic 4 (AAT4). Also called: AORTIC ANEURYSM/AORTIC DISSECTION AND PATENT DUCTUS ARTERIOSUS. Identifiers: MedGen C1851504, MONDO:0007568, OMIM 132900.
Familial thoracic aortic aneurysm and aortic dissection (TAAD). Also called: Thoracic aortic aneurysms and dissections. Identifiers: Orphanet 91387, MedGen C4707243, MONDO:0019625.

Submissions (4):

Color Diagnostics, LLC DBA Color Health
Classification: Uncertain significance for Familial thoracic aortic aneurysm and aortic dissection. Last evaluated: 2024-03-06. Review status: criteria provided, single submitter. Criteria: ACMG Guidelines, 2015. Collection method: clinical testing. Allele origin: germline.
Comment: This missense variant replaces serine with arginine at codon 1298 of the MYH11 protein. Computational prediction suggests that this variant may not impact protein structure and function (internally defined REVEL score threshold <= 0.5, PMID: 27666373). To our knowledge, functional studies have not been reported for this variant. This variant has not been reported in individuals affected with MYH11-related disorders in the literature. This variant has not been identified in the general population by the Genome Aggregation Database (gnomAD). The available evidence is insufficient to determine the role of this variant in disease conclusively. Therefore, this variant is classified as a Variant of Uncertain Significance.

All of Us Research Program, National Institutes of Health
Classification: Uncertain significance for Familial thoracic aortic aneurysm and aortic dissection. Last evaluated: 2023-12-15. Review status: criteria provided, single submitter. Criteria: ACMG Guidelines, 2015. Collection method: clinical testing. Allele origin: germline. Inheritance: Autosomal dominant inheritance. Observed: 2 variant alleles, 2 heterozygotes.
Comment: This missense variant replaces serine with arginine at codon 1298 of the MYH11 protein. Computational prediction tools and conservation analyses are inconclusive regarding the impact of this variant on the protein function. Computational splicing tools suggest that this variant may not impact RNA splicing. To our knowledge, functional assays have not been performed for this variant nor has this variant been reported in individuals affected with cardiovascular disorders in the literature. This variant has not been identified in the general population by the Genome Aggregation Database (gnomAD). Available evidence is insufficient to determine the role of this variant in disease conclusively. Therefore, this variant is classified as a Variant of Uncertain Significance.

This study involves interpretation of variants in research participants for the purpose of population health screening. Participant phenotype was not available at the time of variant classification. Additional details can be found in publication PMID: 35346344, PMCID: PMC8962531

Labcorp Genetics (formerly Invitae), Labcorp
Classification: Uncertain significance for Aortic aneurysm, familial thoracic 4. Last evaluated: 2023-09-17. Review status: criteria provided, single submitter. Criteria: Invitae Variant Classification Sherloc (09022015). Collection method: clinical testing. Allele origin: germline.
Comment: Advanced modeling of protein sequence and biophysical properties (such as structural, functional, and spatial information, amino acid conservation, physicochemical variation, residue mobility, and thermodynamic stability) performed at Invitae indicates that this missense variant is not expected to disrupt MYH11 protein function. This variant is not present in population databases (gnomAD no frequency). This variant has not been reported in the literature in individuals affected with MYH11-related conditions. ClinVar contains an entry for this variant (Variation ID: 927488). This sequence change replaces serine, which is neutral and polar, with arginine, which is basic and polar, at codon 1298 of the MYH11 protein (p.Ser1298Arg). In summary, the available evidence is currently insufficient to determine the role of this variant in disease. Therefore, it has been classified as a Variant of Uncertain Significance.

GeneDx
Classification: Uncertain significance. Last evaluated: 2019-06-11. Review status: criteria provided, single submitter. Criteria: GeneDx Variant Classification Process June 2021. Collection method: clinical testing. Allele origin: germline. Affected: yes.
Comment: Has not been previously published as pathogenic or benign to our knowledge; Not observed in large population cohorts (Lek et al., 2016); In silico analysis, which includes protein predictors and evolutionary conservation, supports that this variant does not alter protein structure/function

NM_002474.3(MYH11):c.3873C>G (p.Ser1291Arg)

Genes: NDE1 (nudE neurodevelopment protein 1; plus strand), MYH11 (myosin heavy chain 11; minus strand). Cytogenetic location: 16p13.11.
Variant type: single nucleotide variant.
Coding change: c.3873C>G on transcript NM_002474.3 (MANE Select); coding-DNA position 3873, C replaced by G.
Protein change: p.Ser1291Arg; replaces serine 1291 with arginine.
Molecular consequence: missense variant. On other transcripts: 3 prime UTR variant (2).
Genome position (GRCh38, 1-based): chr16:15,724,978, G>C on the plus strand (C>G on the coding strand, the complement: MYH11 is on the minus strand). VCF-style: chr16-15724978-G-C. GRCh37 (hg19) VCF-style: chr16-15818835-G-C.
Other names: c.3894C>G, p.Ser1298Arg (NM_001040113.2, NM_001040114.2); c.3873C>G, p.Ser1291Arg (NM_022844.3); c.*727G>C (NM_001143979.2, NM_017668.3); short protein forms S1291R, S1298R.
Identifiers: ClinVar variation 927488 (VCV000927488.15), dbSNP rs140339691, ClinGen allele CA394859251.
Genomic context (GRCh38, chr16:15,724,978, plus strand): 5'-CGCCACGTCCTTGGCCAGCTTAATGGCCTTCCCCTCGGCCTCGTTAAGCATCCCTGTGAC[G>C]CTCTCAACTTCATTCTAAGGGTGCCAAGAGACTGGTTAGTCAAAGCCTCTAGAAGGGGAT-3'
Protein context (NP_002465.1, residues 1281-1301): KVHKLQNEVE[Ser1291Arg]VTGMLNEAEG